The following is an entry in ClinVar:

ClinVar aggregate classification (germline): Uncertain significance (1 of 4 stars; one submission).

Allele frequency attached by ClinVar (database versions not stated): TOPMed below 0.00001.
gnomAD v4.1: 3 of 1,612,822 alleles (0.00019%); highest among the groups gnomAD compares: East Asian, 0.0045%; no homozygotes.

Submission:

GeneDx
Classification: Uncertain significance. Last evaluated: 2022-04-08. Review status: criteria provided, single submitter. Criteria: GeneDx Variant Classification Process June 2021. Collection method: clinical testing. Allele origin: germline. Affected: yes.
Comment: Not observed at significant frequency in large population cohorts (gnomAD); In silico analysis supports that this missense variant has a deleterious effect on protein structure/function; Has not been previously published as pathogenic or benign to our knowledge

NM_006922.4(SCN3A):c.5873C>G (p.Thr1958Arg)

Gene: SCN3A (sodium voltage-gated channel alpha subunit 3; minus strand). Cytogenetic location: 2q24.3.
Variant type: single nucleotide variant.
Coding change: c.5873C>G on transcript NM_006922.4 (MANE Select); coding-DNA position 5873, C replaced by G.
Protein change: p.Thr1958Arg; replaces threonine 1958 with arginine.
Molecular consequence: missense variant.
Genome position (GRCh38, 1-based): chr2:165,090,280, G>C on the plus strand (C>G on the coding strand, the complement: SCN3A is on the minus strand). VCF-style: chr2-165090280-G-C. GRCh37 (hg19) VCF-style: chr2-165946790-G-C.
Other names: c.5726C>G, p.Thr1909Arg (NM_001081676.2, NM_001081677.2); short protein forms T1909R, T1958R.
Identifiers: ClinVar variation 1708711 (VCV001708711.2), dbSNP rs1483176268, ClinGen allele CA349009427.